The following is an entry in ClinVar:

ClinVar aggregate classification (germline): Pathogenic/Likely pathogenic. Review status: criteria provided, multiple submitters, no conflicts (2 of 4 stars). 2 submissions from 2 submitters: Pathogenic (1); Likely pathogenic (1). Last evaluated 2024-09-21.

Conditions:
Peroxisome biogenesis disorder. Identifiers: Orphanet 79189, MedGen C1832200, MONDO:0019234. Disease mechanism: loss of function.
PEX6-related disorder. Also called: PEX6-related condition; PEX6-related disorders.

Submissions (2):

Labcorp Genetics (formerly Invitae), Labcorp
Classification: Pathogenic for Peroxisome biogenesis disorder. Last evaluated: 2024-09-21. Review status: criteria provided, single submitter. Criteria: Invitae Variant Classification Sherloc (09022015). Collection method: clinical testing. Allele origin: germline.
Comment: This sequence change creates a premature translational stop signal (p.Glu290Argfs*15) in the PEX6 gene. It is expected to result in an absent or disrupted protein product. Loss-of-function variants in PEX6 are known to be pathogenic (PMID: 10408779, 21031596, 31831025). This variant is present in population databases (rs746927422, gnomAD 0.003%). This variant has not been reported in the literature in individuals affected with PEX6-related conditions. For these reasons, this variant has been classified as Pathogenic.

Blueprint Genetics
Classification: Likely pathogenic for PEX6-related disorders. Last evaluated: 2023-09-19. Review status: criteria provided, single submitter. Criteria: ACMG Guidelines, 2015. Collection method: clinical testing. Allele origin: germline. Affected: yes. Observed: 1 variant allele.

Literature cited by the submitters: PubMed 10408779 (cited by Labcorp Genetics (formerly Invitae), Labcorp); PubMed 21031596 (cited by Labcorp Genetics (formerly Invitae), Labcorp); PubMed 31831025 (cited by Labcorp Genetics (formerly Invitae), Labcorp).

NM_000287.4(PEX6):c.866dup (p.Glu290fs)

Gene: PEX6 (peroxisomal biogenesis factor 6; minus strand). Cytogenetic location: 6p21.1.
Variant type: Duplication.
Coding change: c.866dup on transcript NM_000287.4 (MANE Select); coding-DNA position 866, one base duplicated (G; older notation c.866dupG).
Protein change: p.Glu290fs; shifts the reading frame from glutamic acid 290.
Molecular consequence: frameshift variant. On other transcripts: non-coding transcript variant (1), intron variant (1).
Genome position (GRCh38, 1-based): chr6:42,978,285, C duplicated on the plus strand (G on the coding strand, the reverse complement: PEX6 is on the minus strand); the first of 3 consecutive C bases (chr6:42,978,285-42,978,287); duplicating any one gives the same sequence. VCF-style (leftmost placement, unchanged base first): chr6-42978284-T-TC. GRCh37 (hg19) VCF-style: chr6-42946022-T-TC.
Other names: c.618+248dup (NM_001316313.2); short protein forms E290fs.
Identifiers: ClinVar variation 3642525 (VCV003642525.3).